The following is an entry in ClinVar:

ClinVar aggregate classification (germline): Uncertain significance (1 of 4 stars; one submission).

Allele frequency attached by ClinVar (database versions not stated): gnomAD exomes below 0.00001.
gnomAD v4.1: 2 of 1,613,210 alleles (0.00012%); highest among the groups gnomAD compares: Admixed American, 0.0033%; no homozygotes.

Submission:

Labcorp Genetics (formerly Invitae), Labcorp
Classification: Uncertain significance. Last evaluated: 2023-12-02. Review status: criteria provided, single submitter. Criteria: Invitae Variant Classification Sherloc (09022015). Collection method: clinical testing. Allele origin: germline.
Comment: This sequence change replaces proline, which is neutral and non-polar, with threonine, which is neutral and polar, at codon 7 of the RIMS1 protein (p.Pro7Thr). The frequency data for this variant in the population databases is considered unreliable, as metrics indicate poor data quality at this position in the gnomAD database. This variant has not been reported in the literature in individuals affected with RIMS1-related conditions. An algorithm developed to predict the effect of missense changes on protein structure and function (PolyPhen-2) suggests that this variant is likely to be disruptive. In summary, the available evidence is currently insufficient to determine the role of this variant in disease. Therefore, it has been classified as a Variant of Uncertain Significance.

NM_014989.7(RIMS1):c.19C>A (p.Pro7Thr)

Gene: RIMS1 (regulating synaptic membrane exocytosis 1; plus strand). Cytogenetic location: 6q13.
Variant type: single nucleotide variant.
Coding change: c.19C>A on transcript NM_014989.7 (MANE Select); coding-DNA position 19, C replaced by A.
Protein change: p.Pro7Thr; replaces proline 7 with threonine.
Molecular consequence: missense variant.
Genome position (GRCh38, 1-based): chr6:71,887,042, C>A. VCF-style: chr6-71887042-C-A. GRCh37 (hg19) VCF-style: chr6-72596745-C-A.
Other names: c.19C>A, p.Pro7Thr (NM_001350411.1, NM_001350412.1, NM_001350413.1); short protein forms P7T.
Identifiers: ClinVar variation 2862538 (VCV002862538.3), dbSNP rs1487453519, ClinGen allele CA364817684.
Genomic context (GRCh38, chr6:71,887,042, plus strand): 5'-GAGAGCCAGAGAGCGAGCAGAGGGGGCGGGCAGGCCACGAAAATGTCCTCGGCCGTGGGG[C>A]CCCGCGGTCCTCGCCCACCCACGGTGCCTCCCCCCATGCAAGAGCTGCCCGACCTGAGCC-3'
Protein context (NP_055804.2, residues 1-17): MSSAVG[Pro7Thr]RGPRPPTVPP